The following is an entry in ClinVar:

ClinVar aggregate classification (germline): Uncertain significance. Review status: criteria provided, multiple submitters, no conflicts (2 of 4 stars). 2 submissions from 2 submitters: Uncertain significance (2). Last evaluated 2025-03-27.

Conditions:
Inborn genetic diseases. Identifiers: MedGen C0950123, MeSH D030342.

Submissions (2):

Ambry Genetics
Classification: Uncertain significance for Inborn genetic diseases. Last evaluated: 2025-03-27. Review status: criteria provided, single submitter. Criteria: Ambry Variant Classification Scheme 2023. Collection method: clinical testing. Allele origin: germline.

Labcorp Genetics (formerly Invitae), Labcorp
Classification: Uncertain significance. Last evaluated: 2023-08-18. Review status: criteria provided, single submitter. Criteria: Invitae Variant Classification Sherloc (09022015). Collection method: clinical testing. Allele origin: germline.
Comment: This sequence change replaces glutamic acid, which is acidic and polar, with aspartic acid, which is acidic and polar, at codon 252 of the ACAN protein (p.Glu252Asp). This variant is not present in population databases (gnomAD no frequency). This variant has not been reported in the literature in individuals affected with ACAN-related conditions. Experimental studies and prediction algorithms are not available or were not evaluated, and the functional significance of this variant is currently unknown. In summary, the available evidence is currently insufficient to determine the role of this variant in disease. Therefore, it has been classified as a Variant of Uncertain Significance.

NM_001369268.1(ACAN):c.756G>C (p.Glu252Asp)

Gene: ACAN (aggrecan; plus strand). Cytogenetic location: 15q26.1.
Variant type: single nucleotide variant.
Coding change: c.756G>C on transcript NM_001369268.1 (MANE Select); coding-DNA position 756, G replaced by C.
Protein change: p.Glu252Asp; replaces glutamic acid 252 with aspartic acid.
Molecular consequence: missense variant.
Genome position (GRCh38, 1-based): chr15:88,841,866, G>C. VCF-style: chr15-88841866-G-C. GRCh37 (hg19) VCF-style: chr15-89385097-G-C.
Other names: c.756G>C (NM_013227.3); c.756G>C, p.Glu252Asp (NM_001135.4, NM_001411096.1, NM_001411097.1 and 1 more transcripts); short protein forms E252D.
Identifiers: ClinVar variation 2753647 (VCV002753647.4), dbSNP rs920232909, ClinGen allele CA274467346.